The following is an entry in ClinVar:

ClinVar aggregate classification (germline): Pathogenic (1 of 4 stars; one submission).

Conditions:
Autosomal dominant polycystic kidney disease. Identifiers: Orphanet 730, MedGen C0085413, MONDO:0004691.

Allele frequency attached by ClinVar (database versions not stated): gnomAD exomes below 0.00001.

Submission:

Labcorp Genetics (formerly Invitae), Labcorp
Classification: Pathogenic for Autosomal dominant polycystic kidney disease. Last evaluated: 2020-10-06. Review status: criteria provided, single submitter. Criteria: Invitae Variant Classification Sherloc (09022015). Collection method: clinical testing. Allele origin: germline.
Comment: For these reasons, this variant has been classified as Pathogenic. Donor and acceptor splice site variants typically lead to a loss of protein function (PMID: 16199547), and loss-of-function variants in PKD2 are known to be pathogenic (PMID: 17582161, 22863349). Algorithms developed to predict the effect of sequence changes on RNA splicing suggest that this variant may disrupt the consensus splice site, but this prediction has not been confirmed by published transcriptional studies. Disruption of this splice site has been observed in individual(s) with autosomal dominant polycystic kidney disease (PMID: 22508176, 31740684). The frequency data for this variant in the population databases is considered unreliable, as metrics indicate insufficient coverage at this position in the ExAC database. This sequence change affects a donor splice site in intron 1 of the PKD2 gene. It is expected to disrupt RNA splicing and likely results in an absent or disrupted protein product.

Literature cited by the submitters: PubMed 16199547; PubMed 17582161; PubMed 22863349; PubMed 22508176; PubMed 31740684.

NM_000297.4(PKD2):c.595+2T>C

Gene: PKD2 (polycystin 2, transient receptor potential cation channel; plus strand). Cytogenetic location: 4q22.1.
Variant type: single nucleotide variant.
Coding change: c.595+2T>C on transcript NM_000297.4 (MANE Select); the canonical splice donor site of the intron after coding-DNA position 595, T replaced by C.
Molecular consequence: splice donor variant.
Genome position (GRCh38, 1-based): chr4:88,008,330, T>C. VCF-style: chr4-88008330-T-C. GRCh37 (hg19) VCF-style: chr4-88929482-T-C.
Identifiers: ClinVar variation 1068903 (VCV001068903.9), dbSNP rs1018717398, ClinGen allele CA357627252.